The following is an entry in ClinVar:

ClinVar aggregate classification (germline): other (0 of 4 stars; one submission).

Conditions:
Familial colorectal cancer. Identifiers: MedGen CN280943, MONDO:0023113. Disease mechanism: loss of function.

Allele frequency attached by ClinVar (database versions not stated): gnomAD 0.05417 and 0.05528; TOPMed 0.06019; 1000 Genomes Project 30x 0.09244; 1000 Genomes Project 0.09525.
gnomAD v4.1: 8,381 of 152,144 alleles (5.5%); highest among the groups gnomAD compares: East Asian, 15%; 437 homozygotes.

Submission:

Systems Biology Platform Zhejiang California International NanoSystems Institute
Classification: other for Familial colorectal cancer. Review status: no assertion criteria provided. Collection method: not provided. Allele origin: unknown.
ClinVar note: Converted during submission from cancer to other.

NM_000038.6(APC):c.1743+1320G>A

Gene: APC (APC regulator of WNT signaling pathway; plus strand). Cytogenetic location: 5q22.2.
Variant type: single nucleotide variant.
Coding change: c.1743+1320G>A on transcript NM_000038.6 (MANE Select); 1320 bases into the intron after coding-DNA position 1743, G replaced by A.
Molecular consequence: intron variant.
Genome position (GRCh38, 1-based): chr5:112,830,292, G>A. VCF-style: chr5-112830292-G-A. GRCh37 (hg19) VCF-style: chr5-112165989-G-A.
Other names: c.1743+1320G>A (NM_001354895.2, NM_001127510.3); c.1773+1320G>A (NM_001354897.2); c.1470+1320G>A (NM_001354902.2); c.1689+1320G>A (NM_001127511.3); c.1668+1320G>A (NM_001354898.2); c.1365+1320G>A (NM_001354904.2); c.894+1320G>A (NM_001354906.2); c.1797+1320G>A (NM_001354896.2); and 5 more.
Identifiers: ClinVar variation 82592 (VCV000082592.2), dbSNP rs75190104, ClinGen allele CA005497.